The following is an entry in ClinVar:

NM_001379291.1(BRD4):c.2367A>T (p.Ala789=)

Gene: BRD4 (bromodomain containing 4; minus strand). Cytogenetic location: 19p13.12.
Variant type: single nucleotide variant.
Coding change: c.2367A>T on transcript NM_001379291.1 (MANE Select); coding-DNA position 2367, A replaced by T.
Protein change: p.Ala789=; no amino-acid change (alanine 789 retained).
Molecular consequence: synonymous variant.
Genome position (GRCh38, 1-based): chr19:15,244,445, T>A on the plus strand (A>T on the coding strand, the complement: BRD4 is on the minus strand). VCF-style: chr19-15244445-T-A. GRCh37 (hg19) VCF-style: chr19-15355256-T-A.
Other names: c.2367A>T, p.Ala789= (NM_058243.3).
Identifiers: ClinVar variation 3036267 (VCV003036267.2), dbSNP rs2047266578, ClinGen allele CA506080474.
Genomic context (GRCh38, chr19:15,244,445, plus strand): 5'-CTCCAGGACGGGCACCTGGGTGGCAATGAAGGGTGGGGGCGAGGACTTCATCGCCGGGGC[T>A]GCCTGCTGCGGCATGGAGGGTGGGGGAGGCGGGGGTGGCGGCTGCTGTTGCTGCTGCGGA-3'
Protein context (NP_001366220.1, residues 779-799): PPPPPSMPQQ[Ala789=]APAMKSSPPP

ClinVar aggregate classification (germline): Likely benign (0 of 4 stars; one submission).

Conditions:
BRD4-related disorder. Also called: BRD4-related condition.

Submission:

PreventionGenetics, part of Exact Sciences
Classification: Likely benign for BRD4-related condition. Last evaluated: 2020-07-30. Review status: no assertion criteria provided. Collection method: clinical testing. Allele origin: germline.
Comment: This variant is classified as likely benign based on ACMG/AMP sequence variant interpretation guidelines (Richards et al. 2015 PMID: 25741868, with internal and published modifications).